The following is an entry in ClinVar:

NM_182914.3(SYNE2):c.16405C>A (p.Pro5469Thr)

Gene: SYNE2 (spectrin repeat containing nuclear envelope protein 2; plus strand). Cytogenetic location: 14q23.2.
Variant type: single nucleotide variant.
Coding change: c.16405C>A on transcript NM_182914.3 (MANE Select); coding-DNA position 16405, C replaced by A.
Protein change: p.Pro5469Thr; replaces proline 5469 with threonine.
Molecular consequence: missense variant.
Genome position (GRCh38, 1-based): chr14:64,163,507, C>A. VCF-style: chr14-64163507-C-A. GRCh37 (hg19) VCF-style: chr14-64630225-C-A.
Other names: c.16405C>A, p.Pro5469Thr (NM_015180.6); short protein forms P5469T.
Identifiers: ClinVar variation 198978 (VCV000198978.47), dbSNP rs148492034, ClinGen allele CA247923.

ClinVar aggregate classification (germline): Conflicting classifications of pathogenicity. Review status: criteria provided, conflicting classifications (1 of 4 stars). 7 submissions from 7 submitters: Uncertain significance (2); Benign (3); Likely benign (1). 1 of the submissions does not count toward it. Last evaluated 2026-03-02.

Conditions:
SYNE2-related disorder. Also called: SYNE2-related condition.
Emery-Dreifuss muscular dystrophy 5, autosomal dominant (EDMD5). Also called: EMERY-DREIFUSS MUSCULAR DYSTROPHY 5. Identifiers: Orphanet 261, MedGen C2751805, MONDO:0013072, OMIM 612999.

Allele frequency attached by ClinVar (database versions not stated): ESP Exome Variant Server 0.00015; gnomAD 0.00018 and 0.00027; TOPMed 0.00019; ExAC 0.00070; gnomAD exomes 0.00072; 1000 Genomes Project 0.00140; 1000 Genomes Project 30x 0.00141.
gnomAD v4.1: 614 of 1,614,182 alleles (0.038%); highest among the groups gnomAD compares: South Asian, 0.36%; 4 homozygotes.

Submissions (7):

Women's Health and Genetics/Laboratory Corporation of America, LabCorp
Classification: Likely benign. Last evaluated: 2026-03-02. Review status: criteria provided, single submitter. Criteria: LabCorp Variant Classification Summary - May 2015. Collection method: clinical testing. Allele origin: germline.
Comment: Variant summary: SYNE2 c.16405C>A (p.Pro5469Thr) results in a non-conservative amino acid change in the encoded protein sequence. Algorithms developed to predict the effect of missense changes on protein structure and function are either unavailable or do not agree on the potential impact of this missense change. The variant allele was found at a frequency of 0.00072 in 251260 control chromosomes, predominantly at a frequency of 0.004 within the South Asian subpopulation in the gnomAD database. The observed variant frequency within South Asian control individuals in the gnomAD database exceeds the estimated maximal expected allele frequency for disease-causing variants in SYNE2. To our knowledge, no occurrence of c.16405C>A in individuals affected with SYNE2-related conditions and no experimental evidence demonstrating its impact on protein function have been reported. ClinVar contains an entry for this variant (Variation ID: 198978). Based on the evidence outlined above, the variant was classified as likely benign.

Labcorp Genetics (formerly Invitae), Labcorp
Classification: Benign for Emery-Dreifuss muscular dystrophy 5, autosomal dominant. Last evaluated: 2026-01-20. Review status: criteria provided, single submitter. Criteria: Invitae Variant Classification Sherloc (09022015). Collection method: clinical testing. Allele origin: germline.

Ambry Genetics
Classification: Uncertain significance. Last evaluated: 2025-10-07. Review status: criteria provided, single submitter. Criteria: Ambry Variant Classification Scheme 2023. Collection method: clinical testing. Allele origin: germline.

CeGaT Center for Human Genetics Tuebingen
Classification: Benign. Last evaluated: 2025-03-01. Review status: criteria provided, single submitter. Criteria: CeGaT Center For Human Genetics Tuebingen Variant Classification Criteria Version 2. Collection method: clinical testing. Allele origin: germline. Affected: yes. Observed: 3 variant alleles.
Comment: SYNE2: BS1, BS2

Illumina Laboratory Services, Illumina
Classification: Benign for Emery-Dreifuss muscular dystrophy 5, autosomal dominant. Last evaluated: 2018-01-13. Review status: criteria provided, single submitter. Criteria: ICSL Variant Classification Criteria 13 December 2019. Collection method: clinical testing. Allele origin: germline.
Comment: This variant was observed in the ICSL laboratory as part of a predisposition screen in an ostensibly healthy population. It had not been previously curated by ICSL or reported in the Human Gene Mutation Database (HGMD: prior to June 1st, 2018), and was therefore a candidate for classification through an automated scoring system. Utilizing variant allele frequency, disease prevalence and penetrance estimates, and inheritance mode, an automated score was calculated to assess if this variant is too frequent to cause the disease. Based on the score and internal cut-off values, a variant classified as benign is not then subjected to further curation. The score for this variant resulted in a classification of benign for this disease.

Eurofins Ntd Llc (ga)
Classification: Uncertain significance. Last evaluated: 2015-05-13. Review status: criteria provided, single submitter. Criteria: EGL Classification Definitions 2015. Collection method: clinical testing. Allele origin: germline. Observed: 1 variant allele, 1 heterozygote.

PreventionGenetics, part of Exact Sciences
Classification: Likely benign for SYNE2-related condition. Last evaluated: 2019-05-24. Review status: no assertion criteria provided. Collection method: clinical testing. Allele origin: germline. Not counted in ClinVar's aggregate classification.
Comment: This variant is classified as likely benign based on ACMG/AMP sequence variant interpretation guidelines (Richards et al. 2015 PMID: 25741868, with internal and published modifications).